The following is an entry in ClinVar:

NM_000382.3(ALDH3A2):c.307G>C (p.Gly103Arg)

Gene: ALDH3A2 (aldehyde dehydrogenase 3 family member A2; plus strand). Cytogenetic location: 17p11.2.
Variant type: single nucleotide variant.
Coding change: c.307G>C on transcript NM_000382.3 (MANE Select); coding-DNA position 307, G replaced by C.
Protein change: p.Gly103Arg; replaces glycine 103 with arginine.
Molecular consequence: missense variant. On other transcripts: 5 prime UTR variant (1).
Genome position (GRCh38, 1-based): chr17:19,651,700, G>C. VCF-style: chr17-19651700-G-C. GRCh37 (hg19) VCF-style: chr17-19555013-G-C.
Other names: c.307G>C, p.Gly103Arg (NM_001031806.2, NM_001369136.1, NM_001369137.2 and 3 more transcripts); c.-382G>C (NM_001369148.2); short protein forms G103R.
Identifiers: ClinVar variation 2628837 (VCV002628837.2), dbSNP rs569807915, ClinGen allele CA8442769.

ClinVar aggregate classification (germline): Uncertain significance. Review status: criteria provided, multiple submitters, no conflicts (2 of 4 stars). 2 submissions from 2 submitters: Uncertain significance (2). Last evaluated 2024-05-15.

Conditions:
ALDH3A2-related disorder. Also called: ALDH3A2-related condition.
Inborn genetic diseases. Identifiers: MedGen C0950123, MeSH D030342.

Allele frequency attached by ClinVar (database versions not stated): gnomAD exomes below 0.00001; ExAC 0.00002; TOPMed 0.00003; gnomAD 0.00004; 1000 Genomes Project 30x 0.00016; 1000 Genomes Project 0.00020.
gnomAD v4.1: 8 of 1,614,166 alleles (0.0005%); highest among the groups gnomAD compares: African/African-American, 0.0093%; no homozygotes.

Submissions (2):

Ambry Genetics
Classification: Uncertain significance for Inborn genetic diseases. Last evaluated: 2024-05-15. Review status: criteria provided, single submitter. Criteria: Ambry Variant Classification Scheme 2023. Collection method: clinical testing. Allele origin: germline.

PreventionGenetics, part of Exact Sciences
Classification: Uncertain significance for ALDH3A2-related condition. Last evaluated: 2023-04-20. Review status: criteria provided, single submitter. Criteria: ACMG Guidelines, 2015. Collection method: clinical testing. Allele origin: germline.
Comment: The ALDH3A2 c.307G>C variant is predicted to result in the amino acid substitution p.Gly103Arg. To our knowledge, this variant has not been reported in the literature. This variant is reported in 0.012% of alleles in individuals of African descent in gnomAD. At this time, the clinical significance of this variant is uncertain due to the absence of conclusive functional and genetic evidence.